The following is an entry in ClinVar:

ClinVar aggregate classification (germline): Likely benign. Review status: criteria provided, multiple submitters, no conflicts (2 of 4 stars). 3 submissions from 3 submitters: Likely benign (3). Last evaluated 2025-08-29.

Conditions:
Hereditary cancer-predisposing syndrome. Also called: Neoplastic Syndromes, Hereditary; Hereditary Cancer Syndrome; Hereditary neoplastic syndrome; Tumor predisposition. Identifiers: Orphanet 140162, MedGen C0027672, MeSH D009386, MONDO:0015356.
BAP1-related tumor predisposition syndrome (TPDS1). Also called: COMMON Syndrome; TUMOR PREDISPOSITION SYNDROME 1; BAP1 tumor predisposition syndrome; Tumor susceptibility linked to germline BAP1 mutations. Identifiers: Orphanet 289539, MedGen C3280492, MONDO:0013692, OMIM 614327.

Allele frequency attached by ClinVar (database versions not stated): gnomAD exomes 0.00001 and 0.00003; ExAC 0.00002.
gnomAD v4.1: 15 of 1,613,720 alleles (0.00093%); highest among the groups gnomAD compares: South Asian, 0.016%; no homozygotes.

Submissions (3):

Labcorp Genetics (formerly Invitae), Labcorp
Classification: Likely benign for BAP1-related tumor predisposition syndrome. Last evaluated: 2025-08-29. Review status: criteria provided, single submitter. Criteria: Invitae Variant Classification Sherloc (09022015). Collection method: clinical testing. Allele origin: germline.

Myriad Genetics, Inc.
Classification: Likely benign for BAP1-related tumor predisposition syndrome. Last evaluated: 2024-07-16. Review status: criteria provided, single submitter. Criteria: Myriad Autosomal Dominant, Autosomal Recessive and X-Linked Classification Criteria (2023). Collection method: clinical testing. Allele origin: unknown.
Comment: This variant is considered likely benign. This variant is intronic and is not expected to impact mRNA splicing.

Color Diagnostics, LLC DBA Color Health
Classification: Likely benign for Hereditary cancer-predisposing syndrome. Last evaluated: 2018-03-13. Review status: criteria provided, single submitter. Criteria: ACMG Guidelines, 2015. Collection method: clinical testing. Allele origin: germline.

NM_004656.4(BAP1):c.1251-7C>T

Gene: BAP1 (BRCA1 associated deubiquitinase 1; minus strand). Cytogenetic location: 3p21.1.
Variant type: single nucleotide variant.
Coding change: c.1251-7C>T on transcript NM_004656.4 (MANE Select); 7 bases into the intron before coding-DNA position 1251, C replaced by T.
Molecular consequence: intron variant.
Genome position (GRCh38, 1-based): chr3:52,403,901, G>A on the plus strand (C>T on the coding strand, the complement: BAP1 is on the minus strand). VCF-style: chr3-52403901-G-A. GRCh37 (hg19) VCF-style: chr3-52437917-G-A.
Identifiers: ClinVar variation 539945 (VCV000539945.13), dbSNP rs756136482, ClinGen allele CA2436844.